The following is an entry in ClinVar:

ClinVar aggregate classification (germline): Pathogenic/Likely pathogenic. Review status: criteria provided, multiple submitters, no conflicts (2 of 4 stars). 3 submissions from 3 submitters: Pathogenic (2); Likely pathogenic (1). Last evaluated 2021-11-07.

Conditions:
Microcephaly, normal intelligence and immunodeficiency (NBS). Also called: BERLIN BREAKAGE SYNDROME; Immunodeficiency, microcephaly with normal intelligence; SEEMANOVA SYNDROME II; Nijmegen breakage syndrome; Microcephaly with normal intelligence immunodeficiency and lymphoreticular malignancies; Nonsyndromal microcephaly autosomal recessive with normal intelligence. Identifiers: Orphanet 647, MedGen C0398791, MONDO:0009623, OMIM 251260.

Submissions (3):

Genome-Nilou Lab
Classification: Pathogenic for Microcephaly, normal intelligence and immunodeficiency. Last evaluated: 2021-11-07. Review status: criteria provided, single submitter. Criteria: ACMG Guidelines, 2015. Collection method: clinical testing. Allele origin: germline. Affected: no.

Labcorp Genetics (formerly Invitae), Labcorp
Classification: Pathogenic for Microcephaly, normal intelligence and immunodeficiency. Last evaluated: 2021-09-29. Review status: criteria provided, single submitter. Criteria: Invitae Variant Classification Sherloc (09022015). Collection method: clinical testing. Allele origin: germline.
Comment: For these reasons, this variant has been classified as Pathogenic. Loss-of-function variants in NBN are known to be pathogenic (PMID: 9590180, 16415040). This variant has not been reported in the literature in individuals with NBN-related conditions. This variant is not present in population databases (ExAC no frequency). This sequence change creates a premature translational stop signal (p.Gly246Valfs*6) in the NBN gene. It is expected to result in an absent or disrupted protein product.

Women's Health and Genetics/Laboratory Corporation of America, LabCorp
Classification: Likely pathogenic for Microcephaly, normal intelligence and immunodeficiency. Last evaluated: 2020-11-03. Review status: criteria provided, single submitter. Criteria: LabCorp Variant Classification Summary - May 2015. Collection method: clinical testing. Allele origin: germline.
Comment: Variant summary: NBN c.737delG (p.Gly246ValfsX6) results in a premature termination codon, predicted to cause a truncation of the encoded protein or absence of the protein due to nonsense mediated decay, which are commonly known mechanisms for disease. The variant was absent in 251058 control chromosomes (gnomAD). To our knowledge, no occurrence of c.737delG in individuals affected with Nijmegen Breakage Syndrome and no experimental evidence demonstrating its impact on protein function have been reported. No clinical diagnostic laboratories have submitted clinical-significance assessments for this variant to ClinVar after 2014. Based on the evidence outlined above, the variant was classified as likely pathogenic.

Literature cited by the submitters: PubMed 9590180 (cited by Labcorp Genetics (formerly Invitae), Labcorp); PubMed 16415040 (cited by Labcorp Genetics (formerly Invitae), Labcorp).

NM_002485.5(NBN):c.737del (p.Gly246fs)

Gene: NBN (nibrin; minus strand). Cytogenetic location: 8q21.3.
Variant type: Deletion.
Coding change: c.737del on transcript NM_002485.5 (MANE Select); coding-DNA position 737, one base deleted (G; older notation c.737delG).
Protein change: p.Gly246fs; shifts the reading frame from glycine 246.
Molecular consequence: frameshift variant.
Genome position (GRCh38, 1-based): chr8:89,970,523, C deleted on the plus strand (G on the coding strand, the reverse complement: NBN is on the minus strand); the first of 2 consecutive C bases (chr8:89,970,523-89,970,524); deleting either gives the same sequence. VCF-style (leftmost placement, unchanged base first): chr8-89970522-AC-A. GRCh37 (hg19) VCF-style: chr8-90982750-AC-A.
Other names: c.491del, p.Gly164fs (NM_001024688.3); short protein forms G164fs, G246fs.
Identifiers: ClinVar variation 987802 (VCV000987802.9), dbSNP rs1811464751, ClinGen allele CA1139660644.
Genomic context (GRCh38, chr8:89,970,522, plus strand): 5'-CGGAGCCAAAAAGAAATTATGTTCTTCTTCATTCTCTTCTGTTATCAACCTAGCTTCCCC[AC>A]CTCCAAAGACAACTGCGGAACTCAATTTCTTATGCTAAAAATGGAAGGAAACATTTTTTA-3'